The following is an entry in ClinVar:

NM_001130438.3(SPTAN1):c.3891G>A (p.Glu1297=)

Gene: SPTAN1 (spectrin alpha, non-erythrocytic 1; plus strand). Cytogenetic location: 9q34.11.
Variant type: single nucleotide variant.
Coding change: c.3891G>A on transcript NM_001130438.3 (MANE Select); coding-DNA position 3891, G replaced by A.
Protein change: p.Glu1297=; no amino-acid change (glutamic acid 1297 retained).
Molecular consequence: synonymous variant.
Genome position (GRCh38, 1-based): chr9:128,605,322, G>A. VCF-style: chr9-128605322-G-A. GRCh37 (hg19) VCF-style: chr9-131367601-G-A.
Other names: c.3831G>A, p.Glu1277= (NM_001195532.2, NM_001363765.2); c.3891G>A, p.Glu1297= (NM_001363759.2, NM_003127.4).
Identifiers: ClinVar variation 382627 (VCV000382627.1), dbSNP rs774930310, ClinGen allele CA5265076.

ClinVar aggregate classification (germline): Likely benign (1 of 4 stars; one submission).

Allele frequency attached by ClinVar (database versions not stated): ExAC 0.00001; gnomAD exomes below 0.00001.
gnomAD v4.1: 2 of 1,614,180 alleles (0.00012%); highest among the groups gnomAD compares: Non-Finnish European, 0.00017%; no homozygotes.

Submission:

GeneDx
Classification: Likely benign. Last evaluated: 2016-01-05. Review status: criteria provided, single submitter. Criteria: GeneDx Variant Classification (06012015). Collection method: clinical testing. Allele origin: germline. Affected: yes.
Comment: This variant is considered likely benign or benign based on one or more of the following criteria: it is a conservative change, it occurs at a poorly conserved position in the protein, it is predicted to be benign by multiple in silico algorithms, and/or has population frequency not consistent with disease.